The following is an entry in ClinVar:

ClinVar aggregate classification (germline): Pathogenic/Likely pathogenic. Review status: criteria provided, multiple submitters, no conflicts (2 of 4 stars). 2 submissions from 2 submitters: Pathogenic (1); Likely pathogenic (1). Last evaluated 2022-09-23.

Conditions:
EYS-related disorder. Also called: EYS-related condition.

gnomAD v4.1: 1 of 1,551,172 alleles (0.000064%); highest among the groups gnomAD compares: Non-Finnish European, 0.000087%; no homozygotes.

Submissions (2):

Blueprint Genetics
Classification: Likely pathogenic for EYS-related disorders. Last evaluated: 2022-09-23. Review status: criteria provided, single submitter. Criteria: ACMG Guidelines, 2015. Collection method: clinical testing. Allele origin: germline. Affected: yes. Observed: 1 variant allele.

Labcorp Genetics (formerly Invitae), Labcorp
Classification: Pathogenic. Last evaluated: 2022-04-30. Review status: criteria provided, single submitter. Criteria: Invitae Variant Classification Sherloc (09022015). Collection method: clinical testing. Allele origin: germline.
Comment: For these reasons, this variant has been classified as Pathogenic. This variant has not been reported in the literature in individuals affected with EYS-related conditions. This variant is not present in population databases (gnomAD no frequency). This sequence change creates a premature translational stop signal (p.Leu1723*) in the EYS gene. It is expected to result in an absent or disrupted protein product. Loss-of-function variants in EYS are known to be pathogenic (PMID: 18836446, 20333770).

Literature cited by the submitters: PubMed 18836446 (cited by Labcorp Genetics (formerly Invitae), Labcorp); PubMed 20333770 (cited by Labcorp Genetics (formerly Invitae), Labcorp).

NM_001142800.2(EYS):c.5168T>A (p.Leu1723Ter)

Gene: EYS (EGF-like photoreceptor maintenance factor; minus strand). Cytogenetic location: 6q12.
Variant type: single nucleotide variant.
Coding change: c.5168T>A on transcript NM_001142800.2 (MANE Select); coding-DNA position 5168, T replaced by A.
Protein change: p.Leu1723Ter; replaces leucine 1723 with a stop codon.
Molecular consequence: nonsense.
Genome position (GRCh38, 1-based): chr6:64,590,699, A>T on the plus strand (T>A on the coding strand, the complement: EYS is on the minus strand). VCF-style: chr6-64590699-A-T. GRCh37 (hg19) VCF-style: chr6-65300592-A-T.
Other names: c.5168T>A, p.Leu1723Ter (NM_001292009.2); short protein forms L1723*.
Identifiers: ClinVar variation 2132125 (VCV002132125.5), dbSNP rs1334244092, ClinGen allele CA364781700.
Genomic context (GRCh38, chr6:64,590,699, plus strand): 5'-GAACTATCACTTGGGTGAAGTTTGAACAGTGTATGAGATCCTTTACTTTTTTCCATGTCC[A>T]ATAAGCTCTCTTGATTTAGTACCTCAGTGGGTCCCATAGTTATGCCATATTGTCTTATTT-3'